The following is an entry in ClinVar:

NM_020738.4(KIDINS220):c.3242C>G (p.Pro1081Arg)

Gene: KIDINS220 (kinase D interacting substrate 220; minus strand). Cytogenetic location: 2p25.1.
Variant type: single nucleotide variant.
Coding change: c.3242C>G on transcript NM_020738.4 (MANE Select); coding-DNA position 3242, C replaced by G.
Protein change: p.Pro1081Arg; replaces proline 1081 with arginine.
Molecular consequence: missense variant. On other transcripts: non-coding transcript variant (2).
Genome position (GRCh38, 1-based): chr2:8,750,284, G>C on the plus strand (C>G on the coding strand, the complement: KIDINS220 is on the minus strand). VCF-style: chr2-8750284-G-C. GRCh37 (hg19) VCF-style: chr2-8890414-G-C.
Other names: c.3245C>G, p.Pro1082Arg (NM_001348729.2, NM_001348731.2, NM_001348734.2 and 2 more transcripts); c.3242C>G, p.Pro1081Arg (NM_001348732.2, NM_001348735.2, NM_001348738.2 and 3 more transcripts); c.3116C>G, p.Pro1039Arg (NM_001348736.2); short protein forms P1039R, P1081R, P1082R.
Identifiers: ClinVar variation 3353026 (VCV003353026.1).

ClinVar aggregate classification (germline): Uncertain significance (0 of 4 stars; one submission).

Conditions:
KIDINS220-related disorder. Also called: KIDINS220-related condition.

Submission:

PreventionGenetics, part of Exact Sciences
Classification: Uncertain significance for KIDINS220-related condition. Last evaluated: 2024-08-06. Review status: no assertion criteria provided. Collection method: clinical testing. Allele origin: germline.
Comment: The KIDINS220 c.3242C>G variant is predicted to result in the amino acid substitution p.Pro1081Arg. To our knowledge, this variant has not been reported in the literature. This variant is reported in 0.012% of alleles in individuals of Latino descent in gnomAD. At this time, the clinical significance of this variant is uncertain due to the absence of conclusive functional and genetic evidence.